The following is an entry in ClinVar:

NM_003280.3(TNNC1):c.163G>A (p.Glu55Lys)

Gene: TNNC1 (troponin C1, slow skeletal and cardiac type; minus strand). Cytogenetic location: 3p21.1.
Variant type: single nucleotide variant.
Coding change: c.163G>A on transcript NM_003280.3 (MANE Select); coding-DNA position 163, G replaced by A.
Protein change: p.Glu55Lys; replaces glutamic acid 55 with lysine.
Molecular consequence: missense variant.
Genome position (GRCh38, 1-based): chr3:52,452,145, C>T on the plus strand (G>A on the coding strand, the complement: TNNC1 is on the minus strand). VCF-style: chr3-52452145-C-T. GRCh37 (hg19) VCF-style: chr3-52486161-C-T.
Other names: short protein forms E55K.
Identifiers: ClinVar variation 1998559 (VCV001998559.4), dbSNP rs2471444605, ClinGen allele CA353168438.

ClinVar aggregate classification (germline): Uncertain significance (1 of 4 stars; one submission).

Conditions:
Dilated cardiomyopathy 1Z (CMD1Z). Identifiers: Orphanet 154, MedGen C2678475, MONDO:0012745, OMIM 611879.
Hypertrophic cardiomyopathy 13. Also called: TNNC1-Related Familial Hypertrophic Cardiomyopathy. Identifiers: MedGen C2750472, MONDO:0013195, OMIM 613243.

Submission:

Labcorp Genetics (formerly Invitae), Labcorp
Classification: Uncertain significance for Hypertrophic cardiomyopathy 13; Dilated cardiomyopathy 1Z. Last evaluated: 2022-05-25. Review status: criteria provided, single submitter. Criteria: Invitae Variant Classification Sherloc (09022015). Collection method: clinical testing. Allele origin: germline.
Comment: In summary, the available evidence is currently insufficient to determine the role of this variant in disease. Therefore, it has been classified as a Variant of Uncertain Significance. Algorithms developed to predict the effect of missense changes on protein structure and function (SIFT, PolyPhen-2, Align-GVGD) all suggest that this variant is likely to be tolerated. This variant has not been reported in the literature in individuals affected with TNNC1-related conditions. This variant is not present in population databases (gnomAD no frequency). This sequence change replaces glutamic acid, which is acidic and polar, with lysine, which is basic and polar, at codon 55 of the TNNC1 protein (p.Glu55Lys).